The following is an entry in ClinVar:

ClinVar aggregate classification (germline): Likely benign (1 of 4 stars; one submission).

Allele frequency attached by ClinVar (database versions not stated): TOPMed 0.00367; 1000 Genomes Project 0.00399; 1000 Genomes Project 30x 0.00406; ESP Exome Variant Server 0.00461; gnomAD exomes 0.00609; ExAC 0.00740; gnomAD 0.00745.
gnomAD v4.1: 10,084 of 1,612,358 alleles (0.63%); highest among the groups gnomAD compares: Middle Eastern, 1.3%; 98 homozygotes.

Submission:

CeGaT Center for Human Genetics Tuebingen
Classification: Likely benign. Last evaluated: 2026-07-01. Review status: criteria provided, single submitter. Criteria: CeGaT Center For Human Genetics Tuebingen Variant Classification Criteria Version 2. Collection method: clinical testing. Allele origin: germline. Affected: yes. Observed: 5 variant alleles.
Comment: SEC31A: BP4, BP7, BS2

NM_001077207.4(SEC31A):c.1986G>A (p.Pro662=)

Gene: SEC31A (SEC31 homolog A, COPII component; minus strand). Cytogenetic location: 4q21.22.
Variant type: single nucleotide variant.
Coding change: c.1986G>A on transcript NM_001077207.4 (MANE Select); coding-DNA position 1986, G replaced by A.
Protein change: p.Pro662=; no amino-acid change (proline 662 retained).
Molecular consequence: synonymous variant.
Genome position (GRCh38, 1-based): chr4:82,854,925, C>T on the plus strand (G>A on the coding strand, the complement: SEC31A is on the minus strand). VCF-style: chr4-82854925-C-T. GRCh37 (hg19) VCF-style: chr4-83776078-C-T.
Other names: c.1986G>A, p.Pro662= (NM_001400190.1, NM_001400191.1, NM_001400193.1 and 17 more transcripts); c.1908G>A, p.Pro636= (NM_001400197.1, NM_001400200.1, NM_001400203.1 and 7 more transcripts); c.1869G>A, p.Pro623= (NM_001400198.1, NM_001400202.1, NM_001400207.1 and 10 more transcripts); c.1947G>A, p.Pro649= (NM_001400204.1, NM_001400205.1, NM_001400206.1 and 5 more transcripts); c.1971G>A, p.Pro657= (NM_001400212.1, NM_001400214.1, NM_001191049.2); c.1707G>A, p.Pro569= (NM_001400215.1); c.1512G>A, p.Pro504= (NM_001400224.1).
Identifiers: ClinVar variation 2654850 (VCV002654850.24), dbSNP rs35581775, ClinGen allele CA2986431.